The following is an entry in ClinVar:

NM_001277115.2(DNAH11):c.12748A>T (p.Lys4250Ter)

Gene: DNAH11 (dynein axonemal heavy chain 11; plus strand). Cytogenetic location: 7p15.3.
Variant type: single nucleotide variant.
Coding change: c.12748A>T on transcript NM_001277115.2 (MANE Select); coding-DNA position 12748, A replaced by T.
Protein change: p.Lys4250Ter; replaces lysine 4250 with a stop codon.
Molecular consequence: nonsense.
Genome position (GRCh38, 1-based): chr7:21,892,665, A>T. VCF-style: chr7-21892665-A-T. GRCh37 (hg19) VCF-style: chr7-21932283-A-T.
Other names: c.12769A>T, p.Lys4257Ter (NM_003777.3); short protein forms K4257*, K4250*.
Identifiers: ClinVar variation 2585053 (VCV002585053.1), dbSNP rs770946058, ClinGen allele CA4183165.

ClinVar aggregate classification (germline): Likely pathogenic (1 of 4 stars; one submission).

Conditions:
Primary ciliary dyskinesia 7. Also called: CILIARY DYSKINESIA, PRIMARY, 7, WITH OR WITHOUT SITUS INVERSUS. Identifiers: Orphanet 244, MedGen C2678473, MONDO:0012748, OMIM 611884.

Submission:

Neuberg Centre For Genomic Medicine, NCGM
Classification: Likely pathogenic for Primary ciliary dyskinesia 7. Review status: criteria provided, single submitter. Criteria: ACMG Guidelines, 2015. Collection method: clinical testing. Allele origin: germline. Inheritance: Autosomal recessive inheritance. Affected: yes.
Comment: The stop gained c.12748A>T (p.Lys4250Ter) variant has not been reported previously as a pathogenic variant nor as a benign variant, to our knowledge. The c.12748A>T variant is novel (not in any individuals) in 1000 Genomes. The nucleotide change c.12748A>T in DNAH11 is predicted as conserved by GERP++ and PhyloP across 100 vertebrates. This variant is predicted to cause loss of normal protein function through protein truncation. Loss of function variants have been previously reported to be disease causing. For these reasons, this variant has been classified as Likely Pathogenic.